The following is an entry in ClinVar:

ClinVar aggregate classification (germline): Pathogenic (1 of 4 stars; one submission).

Conditions:
Methylmalonic aciduria and homocystinuria type cblD (MAHCD). Also called: METHYLMALONIC ACIDEMIA, cblH TYPE; Methylmalonic aciduria with homocystinuria cblD type. Identifiers: Orphanet 622, Orphanet 79283, MedGen C1848552, MONDO:0010185, OMIM 277410.

Submission:

Labcorp Genetics (formerly Invitae), Labcorp
Classification: Pathogenic for Methylmalonic aciduria and homocystinuria type cblD. Last evaluated: 2022-10-31. Review status: criteria provided, single submitter. Criteria: Invitae Variant Classification Sherloc (09022015). Collection method: clinical testing. Allele origin: germline.
Comment: This variant is a gross deletion of the genomic region encompassing exon(s) 2 of the MMADHC gene, which includes the initiator codon. This deletion extends beyond the assayed region for this gene and therefore may encompass additional genes. It is expected to result in an absent or disrupted protein product. Loss-of-function variants in MMADHC are known to be pathogenic (PMID: 18385497). This variant has not been reported in the literature in individuals affected with MMADHC-related conditions. For these reasons, this variant has been classified as Pathogenic.

Literature cited by the submitters: PubMed 18385497.

NC_000002.11:g.(?_150443583)_(150443611_?)del

Gene: MMADHC (metabolism of cobalamin associated D; minus strand). Cytogenetic location: 2q23.2.
Variant type: Deletion.
Identifiers: ClinVar variation 2426213 (VCV002426213.3).